The following is an entry in ClinVar:

ClinVar aggregate classification (germline): Benign/Likely benign. Review status: criteria provided, multiple submitters, no conflicts (2 of 4 stars). 5 submissions from 5 submitters: Benign (4); Likely benign (1). Last evaluated 2026-02-01.

Conditions:
Retinal dystrophy. Also called: Inherited retinal dystrophy. Identifiers: Orphanet 71862, MedGen C0854723, MeSH D058499, MONDO:0019118, HP:0000556.
Retinitis pigmentosa (RP). Identifiers: Orphanet 791, MedGen C0035334, MeSH D012174, MONDO:0019200, OMIM 268000. Inheritance: Autosomal dominant, autosomal recessive and X linked inheritance.

Allele frequency attached by ClinVar (database versions not stated): ESP Exome Variant Server 0.00008; gnomAD 0.00034 and 0.00075; TOPMed 0.00072; gnomAD exomes 0.00106 and 0.00114; ExAC 0.00116; 1000 Genomes Project 30x 0.00437; 1000 Genomes Project 0.00519.
gnomAD v4.1: 1,655 of 1,614,184 alleles (0.1%); highest among the groups gnomAD compares: East Asian, 3.5%; 35 homozygotes.

Submissions (5):

Labcorp Genetics (formerly Invitae), Labcorp
Classification: Benign. Last evaluated: 2026-02-01. Review status: criteria provided, single submitter. Criteria: Invitae Variant Classification Sherloc (09022015). Collection method: clinical testing. Allele origin: germline.

Blueprint Genetics
Classification: Likely benign. Last evaluated: 2024-10-03. Review status: criteria provided, single submitter. Criteria: ACMG Guidelines, 2015. Collection method: clinical testing. Allele origin: germline.

Dept Of Ophthalmology, Nagoya University
Classification: Benign for Retinal dystrophy. Last evaluated: 2023-10-01. Review status: criteria provided, single submitter. Criteria: Submitter's publication. Collection method: research. Allele origin: germline. Affected: yes.

Illumina Laboratory Services, Illumina
Classification: Benign for Retinitis pigmentosa. Last evaluated: 2018-01-13. Review status: criteria provided, single submitter. Criteria: ICSL Variant Classification Criteria 13 December 2019. Collection method: clinical testing. Allele origin: germline.
Comment: This variant was observed in the ICSL laboratory as part of a predisposition screen in an ostensibly healthy population. It had not been previously curated by ICSL or reported in the Human Gene Mutation Database (HGMD: prior to June 1st, 2018), and was therefore a candidate for classification through an automated scoring system. Utilizing variant allele frequency, disease prevalence and penetrance estimates, and inheritance mode, an automated score was calculated to assess if this variant is too frequent to cause the disease. Based on the score and internal cut-off values, a variant classified as benign is not then subjected to further curation. The score for this variant resulted in a classification of benign for this disease.

Breakthrough Genomics
Classification: Benign. Review status: criteria provided, single submitter. Criteria: ACMG Guidelines, 2015. Collection method: not provided. Allele origin: germline. Inheritance: Autosomal dominant inheritance. Affected: yes.

NM_006445.4(PRPF8):c.5412C>T (p.Asn1804=)

Gene: PRPF8 (pre-mRNA processing factor 8; minus strand). Cytogenetic location: 17p13.3.
Variant type: single nucleotide variant.
Coding change: c.5412C>T on transcript NM_006445.4 (MANE Select); coding-DNA position 5412, C replaced by T.
Protein change: p.Asn1804=; no amino-acid change (asparagine 1804 retained).
Molecular consequence: synonymous variant.
Genome position (GRCh38, 1-based): chr17:1,658,346, G>A on the plus strand (C>T on the coding strand, the complement: PRPF8 is on the minus strand). VCF-style: chr17-1658346-G-A. GRCh37 (hg19) VCF-style: chr17-1561640-G-A.
Identifiers: ClinVar variation 321880 (VCV000321880.17), dbSNP rs151214963, ClinGen allele CA8271416.